The following is an entry in ClinVar:

NM_002691.4(POLD1):c.1342G>A (p.Val448Ile)

Gene: POLD1 (DNA polymerase delta 1, catalytic subunit; plus strand). Cytogenetic location: 19q13.33.
Variant type: single nucleotide variant.
Coding change: c.1342G>A on transcript NM_002691.4 (MANE Select); coding-DNA position 1342, G replaced by A.
Protein change: p.Val448Ile; replaces valine 448 with isoleucine.
Molecular consequence: missense variant. On other transcripts: non-coding transcript variant (1).
Genome position (GRCh38, 1-based): chr19:50,406,281, G>A. VCF-style: chr19-50406281-G-A. GRCh37 (hg19) VCF-style: chr19-50909538-G-A.
Other names: c.1342G>A, p.Val448Ile (NM_001256849.1, NM_001308632.1); c.1342G>A (NM_002691.2); short protein forms V448I.
Identifiers: ClinVar variation 951593 (VCV000951593.11), dbSNP rs748429803, ClinGen allele CA9596109.

ClinVar aggregate classification (germline): Uncertain significance. Review status: criteria provided, multiple submitters, no conflicts (2 of 4 stars). 2 submissions from 2 submitters: Uncertain significance (2). Last evaluated 2025-02-24.

Conditions:
POLD1-related polyposis and colorectal cancer syndrome (CRCS10). Also called: Colorectal cancer 10; COLORECTAL CANCER, SUSCEPTIBILITY TO, ON CHROMOSOME 19q; Colorectal cancer, susceptibility to, 10. Identifiers: Orphanet 220460, MedGen C2675481, MONDO:0012953, OMIM 612591.
Hereditary cancer-predisposing syndrome. Also called: Hereditary neoplastic syndrome; Tumor predisposition; Neoplastic Syndromes, Hereditary; Hereditary Cancer Syndrome. Identifiers: Orphanet 140162, MedGen C0027672, MeSH D009386, MONDO:0015356.

Allele frequency attached by ClinVar (database versions not stated): ExAC 0.00001.

Submissions (2):

Labcorp Genetics (formerly Invitae), Labcorp
Classification: Uncertain significance for POLD1-related polyposis and colorectal cancer syndrome. Last evaluated: 2025-02-24. Review status: criteria provided, single submitter. Criteria: Invitae Variant Classification Sherloc (09022015). Collection method: clinical testing. Allele origin: germline.
Comment: This sequence change replaces valine, which is neutral and non-polar, with isoleucine, which is neutral and non-polar, at codon 448 of the POLD1 protein (p.Val448Ile). This variant is present in population databases (rs748429803, gnomAD 0.003%). This variant has not been reported in the literature in individuals affected with POLD1-related conditions. ClinVar contains an entry for this variant (Variation ID: 951593). Invitae Evidence Modeling of protein sequence and biophysical properties (such as structural, functional, and spatial information, amino acid conservation, physicochemical variation, residue mobility, and thermodynamic stability) indicates that this missense variant is not expected to disrupt POLD1 protein function with a negative predictive value of 80%. In summary, the available evidence is currently insufficient to determine the role of this variant in disease. Therefore, it has been classified as a Variant of Uncertain Significance.

Ambry Genetics
Classification: Uncertain significance for Hereditary cancer-predisposing syndrome. Last evaluated: 2023-07-26. Review status: criteria provided, single submitter. Criteria: Ambry Variant Classification Scheme 2023. Collection method: clinical testing. Allele origin: germline.
Comment: The p.V448I variant (also known as c.1342G>A), located in coding exon 10 of the POLD1 gene, results from a G to A substitution at nucleotide position 1342. The valine at codon 448 is replaced by isoleucine, an amino acid with highly similar properties. This amino acid position is conserved. In addition, this alteration is predicted to be tolerated by in silico analysis. Since supporting evidence is limited at this time, the clinical significance of this alteration remains unclear.